The following is an entry in ClinVar:

NM_000350.3(ABCA4):c.6167A>G (p.Lys2056Arg)

Gene: ABCA4 (ATP binding cassette subfamily A member 4; minus strand). Cytogenetic location: 1p22.1.
Variant type: single nucleotide variant.
Coding change: c.6167A>G on transcript NM_000350.3 (MANE Select); coding-DNA position 6167, A replaced by G.
Protein change: p.Lys2056Arg; replaces lysine 2056 with arginine.
Molecular consequence: missense variant.
Genome position (GRCh38, 1-based): chr1:94,001,973, T>C on the plus strand (A>G on the coding strand, the complement: ABCA4 is on the minus strand). VCF-style: chr1-94001973-T-C. GRCh37 (hg19) VCF-style: chr1-94467529-T-C.
Other names: c.5945A>G, p.Lys1982Arg (NM_001425324.1); c.6167A>G (NM_000350.2); short protein forms K1982R, K2056R.
Identifiers: ClinVar variation 3023758 (VCV003023758.2), dbSNP rs768592753, ClinGen allele CA956997.
Genomic context (GRCh38, chr1:94,001,973, plus strand): 5'-TTGTTGCCCCCACTGTACGTGCCAGCCAGGCAGTCGGCGTAGACAGTCAGGCCCAGGCTC[T>C]TAATACTCCAGTTTGCAACCTAGGGAAGAGAAAGAAATGCCATTTGGAGAAGACAAGCAA-3'
Protein context (NP_000341.2, residues 2046-2066): EIEKVANWSI[Lys2056Arg]SLGLTVYADC

ClinVar aggregate classification (germline): Uncertain significance. Review status: criteria provided, multiple submitters, no conflicts (2 of 4 stars). 2 submissions from 2 submitters: Uncertain significance (2). Last evaluated 2026-04-23.

Allele frequency attached by ClinVar (database versions not stated): gnomAD exomes 0.00001; gnomAD 0.00003; ExAC 0.00001; TOPMed 0.00005.
gnomAD v4.1: 8 of 1,614,094 alleles (0.0005%); highest among the groups gnomAD compares: African/African-American, 0.011%; no homozygotes.

Submissions (2):

GeneDx
Classification: Uncertain significance. Last evaluated: 2026-04-23. Review status: criteria provided, single submitter. Criteria: GeneDx Variant Classification Process June 2021. Collection method: clinical testing. Allele origin: germline.
Comment: Has not been previously published as pathogenic or benign to our knowledge; In silico analysis suggests that this missense variant does not alter protein structure/function

Labcorp Genetics (formerly Invitae), Labcorp
Classification: Uncertain significance. Last evaluated: 2023-06-03. Review status: criteria provided, single submitter. Criteria: Invitae Variant Classification Sherloc (09022015). Collection method: clinical testing. Allele origin: germline.
Comment: In summary, the available evidence is currently insufficient to determine the role of this variant in disease. Therefore, it has been classified as a Variant of Uncertain Significance. Advanced modeling of protein sequence and biophysical properties (such as structural, functional, and spatial information, amino acid conservation, physicochemical variation, residue mobility, and thermodynamic stability) performed at Invitae indicates that this missense variant is not expected to disrupt ABCA4 protein function. This variant has not been reported in the literature in individuals affected with ABCA4-related conditions. This variant is present in population databases (rs768592753, gnomAD 0.01%). This sequence change replaces lysine, which is basic and polar, with arginine, which is basic and polar, at codon 2056 of the ABCA4 protein (p.Lys2056Arg).